The following is an entry in ClinVar:

ClinVar aggregate classification (germline): Uncertain significance (1 of 4 stars; one submission).

Conditions:
Autosomal dominant auditory neuropathy 1. Also called: AUDITORY NEUROPATHY, NONSYNDROMIC DOMINANT. Identifiers: Orphanet 90635, MedGen C1836743, MONDO:0012196, OMIM 609129.

gnomAD v4.1: 1 of 1,613,502 alleles (0.000062%); highest among the groups gnomAD compares: South Asian, 0.0011%; no homozygotes.

Submission:

Laboratory of Prof. Karen Avraham, Tel Aviv University
Classification: Uncertain significance for Autosomal dominant auditory neuropathy 1. Last evaluated: 2026-01-14. Review status: criteria provided, single submitter. Criteria: ACMG Guidelines, 2015. Collection method: research. Allele origin: germline. Inheritance: Autosomal dominant inheritance. Affected: yes. Observed: 1 heterozygote.
Comment: The variant is absent from gnomAD and is predicted to be deleterious by in silico tools. However, due to the lack of segregation data, it was classified as a variant of uncertain significance (VUS).

NM_001042517.2(DIAPH3):c.721A>G (p.Lys241Glu)

Genes: DIAPH3 (diaphanous related formin 3; minus strand), DIAPH3-AS1 (DIAPH3 antisense RNA 1; plus strand). Cytogenetic location: 13q21.2.
Variant type: single nucleotide variant.
Coding change: c.721A>G on transcript NM_001042517.2 (MANE Select); coding-DNA position 721, A replaced by G.
Protein change: p.Lys241Glu; replaces lysine 241 with glutamic acid.
Molecular consequence: missense variant.
Genome position (GRCh38, 1-based): chr13:60,015,963, T>C on the plus strand (A>G on the coding strand, the complement: DIAPH3 is on the minus strand). VCF-style: chr13-60015963-T-C. GRCh37 (hg19) VCF-style: chr13-60590097-T-C.
Other names: c.688A>G, p.Lys230Glu (NM_001258366.2); c.583A>G, p.Lys195Glu (NM_001258367.2); c.511A>G, p.Lys171Glu (NM_001258368.2); c.721A>G, p.Lys241Glu (NM_001258369.2); short protein forms K171E, K195E, K230E, K241E.
Identifiers: ClinVar variation 4685530 (VCV004685530.1).
Genomic context (GRCh38, chr13:60,015,963, plus strand): 5'-ATGTACATACCTGCGTATTCATCAGGGCTTTTAGACACTGTATGACTTTATGTTGATTTT[T>C]CTTTACAACTTTTTCTTGGCTGTATTGACATAAAAAATAGCAGTGTTGGAATTATAATTG-3'
Protein context (NP_001035982.1, residues 231-251): SGKIQEKVVK[Lys241Glu]NQHKVIQCLK